The following is an entry in ClinVar:

NM_004984.4(KIF5A):c.2183T>C (p.Ile728Thr)

Gene: KIF5A (kinesin family member 5A; plus strand). Cytogenetic location: 12q13.3.
Variant type: single nucleotide variant.
Coding change: c.2183T>C on transcript NM_004984.4 (MANE Select); coding-DNA position 2183, T replaced by C.
Protein change: p.Ile728Thr; replaces isoleucine 728 with threonine.
Molecular consequence: missense variant.
Genome position (GRCh38, 1-based): chr12:57,576,363, T>C. VCF-style: chr12-57576363-T-C. GRCh37 (hg19) VCF-style: chr12-57970146-T-C.
Other names: c.2183T>C (NM_004984.2); c.1916T>C, p.Ile639Thr (NM_001354705.2); short protein forms I639T, I728T.
Identifiers: ClinVar variation 999074 (VCV000999074.11), dbSNP rs757751684, ClinGen allele CA6653030.

ClinVar aggregate classification (germline): Conflicting classifications of pathogenicity. Review status: criteria provided, conflicting classifications (1 of 4 stars). 2 submissions from 2 submitters: Uncertain significance (1); Likely benign (1). Last evaluated 2024-09-12.

Conditions:
Spastic paraplegia. Identifiers: MedGen C0037772, HP:0001258.

Allele frequency attached by ClinVar (database versions not stated): gnomAD 0.00001; gnomAD exomes 0.00001; ExAC 0.00002.
gnomAD v4.1: 8 of 1,613,860 alleles (0.0005%); highest among the groups gnomAD compares: South Asian, 0.0033%; no homozygotes.

Submissions (2):

Labcorp Genetics (formerly Invitae), Labcorp
Classification: Likely benign for Spastic paraplegia. Last evaluated: 2024-09-12. Review status: criteria provided, single submitter. Criteria: Invitae Variant Classification Sherloc (09022015). Collection method: clinical testing. Allele origin: germline.

GeneDx
Classification: Uncertain significance. Last evaluated: 2023-01-19. Review status: criteria provided, single submitter. Criteria: GeneDx Variant Classification Process June 2021. Collection method: clinical testing. Allele origin: germline. Affected: yes.
Comment: Not observed at significant frequency in large population cohorts (gnomAD); In silico analysis supports that this missense variant has a deleterious effect on protein structure/function; Has not been previously published as pathogenic or benign to our knowledge